The following is an entry in ClinVar:

NM_000494.4(COL17A1):c.2335+14A>T

Gene: COL17A1 (collagen type XVII alpha 1 chain; minus strand). Cytogenetic location: 10q25.1.
Variant type: single nucleotide variant.
Coding change: c.2335+14A>T on transcript NM_000494.4 (MANE Select); 14 bases into the intron after coding-DNA position 2335, A replaced by T.
Molecular consequence: intron variant.
Genome position (GRCh38, 1-based): chr10:104,047,725, T>A on the plus strand (A>T on the coding strand, the complement: COL17A1 is on the minus strand). VCF-style: chr10-104047725-T-A. GRCh37 (hg19) VCF-style: chr10-105807483-T-A.
Identifiers: ClinVar variation 2785788 (VCV002785788.3), dbSNP rs997189110, ClinGen allele CA595674917.
Genomic context (GRCh38, chr10:104,047,725, plus strand): 5'-ACATGCCTACATCCACACACACAAAGCACACACACACTAAGCAGGGCCATGGCTCCCTCT[T>A]CCTGCTCTGTTACCTGGCTTTCCTGGGTCTCCAGAAGGTCCTGGTGGGCCACGGATTCCA-3'

ClinVar aggregate classification (germline): Uncertain significance (1 of 4 stars; one submission).

Allele frequency attached by ClinVar (database versions not stated): gnomAD exomes below 0.00001.
gnomAD v4.1: 2 of 1,611,192 alleles (0.00012%); highest among the groups gnomAD compares: East Asian, 0.0045%; no homozygotes.

Submission:

Labcorp Genetics (formerly Invitae), Labcorp
Classification: Uncertain significance. Last evaluated: 2023-11-18. Review status: criteria provided, single submitter. Criteria: Invitae Variant Classification Sherloc (09022015). Collection method: clinical testing. Allele origin: germline.
Comment: This sequence change falls in intron 31 of the COL17A1 gene. It does not directly change the encoded amino acid sequence of the COL17A1 protein. This variant is present in population databases (no rsID available, gnomAD 0.006%). This variant has not been reported in the literature in individuals affected with COL17A1-related conditions. Algorithms developed to predict the effect of sequence changes on RNA splicing suggest that this variant may create or strengthen a splice site. In summary, the available evidence is currently insufficient to determine the role of this variant in disease. Therefore, it has been classified as a Variant of Uncertain Significance.